The following is an entry in ClinVar:

ClinVar aggregate classification (germline): Uncertain significance. Review status: criteria provided, multiple submitters, no conflicts (2 of 4 stars). 5 submissions from 5 submitters: Uncertain significance (5). Last evaluated 2025-08-08.

Conditions:
Inborn genetic diseases. Identifiers: MedGen C0950123, MeSH D030342.
Charcot-Marie-Tooth disease type 4. Also called: Charcot-Marie-Tooth disease, type IV; Charcot-Marie-Tooth, Type 4. Identifiers: Orphanet 64749, MedGen C4082197, MONDO:0018995.
Charcot-Marie-Tooth disease type 4H (CMT4H). Also called: CHARCOT-MARIE-TOOTH NEUROPATHY, TYPE 4H; CHARCOT-MARIE-TOOTH DISEASE, DEMYELINATING, TYPE 4H; CHARCOT-MARIE-TOOTH DISEASE, AUTOSOMAL RECESSIVE, TYPE 4H; CHARCOT-MARIE-TOOTH DISEASE, DEMYELINATING, AUTOSOMAL RECESSIVE, TYPE 4H. Identifiers: Orphanet 99954, MedGen C1836336, MONDO:0012250, OMIM 609311.

Allele frequency attached by ClinVar (database versions not stated): TOPMed 0.00007; 1000 Genomes Project 30x 0.00016.
gnomAD v4.1: 110 of 1,613,720 alleles (0.0068%); highest among the groups gnomAD compares: African/African-American, 0.045%; 1 homozygote.

Submissions (5):

Ambry Genetics
Classification: Uncertain significance for Inborn genetic diseases. Last evaluated: 2025-08-08. Review status: criteria provided, single submitter. Criteria: Ambry Variant Classification Scheme 2023. Collection method: clinical testing. Allele origin: germline.

Mayo Clinic Laboratories, Mayo Clinic
Classification: Uncertain significance. Last evaluated: 2025-07-30. Review status: criteria provided, single submitter. Criteria: ACMG Guidelines, 2015. Collection method: clinical testing. Allele origin: germline. Observed: 1 variant allele.
Comment: BP4_moderate

Labcorp Genetics (formerly Invitae), Labcorp
Classification: Uncertain significance for Charcot-Marie-Tooth disease type 4. Last evaluated: 2024-10-15. Review status: criteria provided, single submitter. Criteria: Invitae Variant Classification Sherloc (09022015). Collection method: clinical testing. Allele origin: germline.
Comment: This sequence change replaces proline, which is neutral and non-polar, with alanine, which is neutral and non-polar, at codon 571 of the FGD4 protein (p.Pro571Ala). This variant is present in population databases (rs144693221, gnomAD 0.06%). This variant has not been reported in the literature in individuals affected with FGD4-related conditions. ClinVar contains an entry for this variant (Variation ID: 246288). Invitae Evidence Modeling of protein sequence and biophysical properties (such as structural, functional, and spatial information, amino acid conservation, physicochemical variation, residue mobility, and thermodynamic stability) indicates that this missense variant is not expected to disrupt FGD4 protein function with a negative predictive value of 80%. In summary, the available evidence is currently insufficient to determine the role of this variant in disease. Therefore, it has been classified as a Variant of Uncertain Significance.

Illumina Laboratory Services, Illumina
Classification: Uncertain significance for Charcot-Marie-Tooth disease type 4H. Last evaluated: 2018-01-12. Review status: criteria provided, single submitter. Criteria: ICSL Variant Classification Criteria 13 December 2019. Collection method: clinical testing. Allele origin: germline.

GeneDx
Classification: Uncertain significance. Last evaluated: 2016-01-06. Review status: criteria provided, single submitter. Criteria: GeneDx Variant Classification (06012015). Collection method: clinical testing. Allele origin: germline. Affected: yes.
Comment: The P571A variant has not been published as a pathogenic variant, nor has it been reported as a benign variant to our knowledge. It was not observed in approximately 6,500 individuals of European and African American ancestry in the NHLBI Exome Sequencing Project, indicating it is not a common benign variant in these populations. The P571A variant is a semi-conservative amino acid substitution, which may impact secondary protein structure as these residues differ in some properties. However, this substitution occurs at a position that is not conserved and Alanine is observed at this position in other species. In silico analysis predicts this variant likely does not alter the protein structure/function. Therefore, based on the currently available information, it is unclear whether this variant is a pathogenic variant or a rare benign variant.

NM_001370298.3(FGD4):c.2122C>G (p.Pro708Ala)

Gene: FGD4 (FYVE, RhoGEF and PH domain containing 4; plus strand). Cytogenetic location: 12p11.21.
Variant type: single nucleotide variant.
Coding change: c.2122C>G on transcript NM_001370298.3 (MANE Select); coding-DNA position 2122, C replaced by G.
Protein change: p.Pro708Ala; replaces proline 708 with alanine.
Molecular consequence: missense variant.
Genome position (GRCh38, 1-based): chr12:32,625,729, C>G. VCF-style: chr12-32625729-C-G. GRCh37 (hg19) VCF-style: chr12-32778663-C-G.
Other names: p.Pro571Ala; c.1966C>G, p.Pro656Ala (NM_001304481.2); c.967C>G, p.Pro323Ala (NM_001304483.2); c.679C>G, p.Pro227Ala (NM_001304484.2); c.1432C>G, p.Pro478Ala (NM_001330373.2, NM_001330374.2, NM_001384130.1); c.1159C>G, p.Pro387Ala (NM_001370297.1); c.2122C>G, p.Pro708Ala (NM_001384126.1); c.1711C>G, p.Pro571Ala (NM_001384127.1, NM_001384128.1, NM_001385118.1 and 1 more transcripts); short protein forms P571A, P656A, P387A, P227A, P323A, P478A, P708A.
Identifiers: ClinVar variation 246288 (VCV000246288.18), dbSNP rs144693221, ClinGen allele CA6506987.